The following is an entry in ClinVar:

NM_022455.5(NSD1):c.3481C>T (p.Gln1161Ter)

Gene: NSD1 (nuclear receptor binding SET domain protein 1; plus strand). Cytogenetic location: 5q35.3.
Variant type: single nucleotide variant.
Coding change: c.3481C>T on transcript NM_022455.5 (MANE Select); coding-DNA position 3481, C replaced by T.
Protein change: p.Gln1161Ter; replaces glutamine 1161 with a stop codon.
Molecular consequence: nonsense.
Genome position (GRCh38, 1-based): chr5:177,211,880, C>T. VCF-style: chr5-177211880-C-T. GRCh37 (hg19) VCF-style: chr5-176638881-C-T.
Other names: c.2608C>T, p.Gln870Ter (NM_001365684.2, NM_001409306.1, NM_001409307.1 and 3 more transcripts); c.3481C>T, p.Gln1161Ter (NM_001409301.1, NM_001409302.1, NM_001409303.1); c.3061C>T, p.Gln1021Ter (NM_001409304.1); c.2728C>T, p.Gln910Ter (NM_001409305.1); short protein forms Q1161*, Q892*, Q1021*, Q870*, Q910*.
Identifiers: ClinVar variation 488708 (VCV000488708.2), dbSNP rs1554190292, ClinGen allele CA362324994.
Genomic context (GRCh38, chr5:177,211,880, plus strand): 5'-ATGAACAGTGAGAATGATGAACTCAATGGTGTAAATCAAGTGGTGCCTAAAAAGCGGTGG[C>T]AGCGTTTAAACCAAAGGCGCACTAAACCTCGTAAGCGCATGAACAGATTTAAAGAGAAAG-3'

ClinVar aggregate classification (germline): Pathogenic (1 of 4 stars; one submission).

Submission:

GeneDx
Classification: Pathogenic. Last evaluated: 2017-12-04. Review status: criteria provided, single submitter. Criteria: GeneDx Variant Classification (06012015). Collection method: clinical testing. Allele origin: germline. Affected: yes.
Comment: The Q1161X nonsense mutation in the NSD1 gene is predicted to cause loss of normal protein function either through protein truncation or nonsense-mediated mRNA decay. Although this mutation has not been reported previously to our knowledge, its presence is consistent with the diagnosis of Sotos syndrome.